The following is an entry in ClinVar:

ClinVar aggregate classification (germline): Conflicting classifications of pathogenicity. Review status: criteria provided, conflicting classifications (1 of 4 stars). 2 submissions from 2 submitters: Uncertain significance (1); Likely benign (1). Last evaluated 2023-03-23.

Conditions:
Hereditary cancer-predisposing syndrome. Also called: Neoplastic Syndromes, Hereditary; Tumor predisposition; Hereditary neoplastic syndrome; Hereditary Cancer Syndrome. Identifiers: Orphanet 140162, MedGen C0027672, MeSH D009386, MONDO:0015356.

Submissions (2):

University of Washington Department of Laboratory Medicine, University of Washington
Classification: Likely benign for Hereditary cancer-predisposing syndrome. Last evaluated: 2023-03-23. Review status: criteria provided, single submitter. Criteria: Dines et al. (Genet Med. 2020). Collection method: curation. Allele origin: germline.
Comment: Missense variant in a coldspot region where missense variants are very unlikely to be pathogenic (PMID:31911673).

BRCA2 exon 11 coldspot. Reclassification based on statistical prior probability.

Ambry Genetics
Classification: Uncertain significance for Hereditary cancer-predisposing syndrome. Last evaluated: 2019-04-09. Review status: criteria provided, single submitter. Criteria: Ambry Variant Classification Scheme 2023. Collection method: clinical testing. Allele origin: germline.
Comment: The p.E1555K variant (also known as c.4663G>A), located in coding exon 10 of the BRCA2 gene, results from a G to A substitution at nucleotide position 4663. The glutamic acid at codon 1555 is replaced by lysine, an amino acid with similar properties. This amino acid position is not well conserved in available vertebrate species. In addition, this alteration is predicted to be tolerated by in silico analysis. Since supporting evidence is limited at this time, the clinical significance of this alteration remains unclear.

NM_000059.4(BRCA2):c.4663G>A (p.Glu1555Lys)

Gene: BRCA2 (BRCA2 DNA repair associated; plus strand). Cytogenetic location: 13q13.1.
Variant type: single nucleotide variant.
Coding change: c.4663G>A on transcript NM_000059.4 (MANE Select); coding-DNA position 4663, G replaced by A.
Protein change: p.Glu1555Lys; replaces glutamic acid 1555 with lysine.
Molecular consequence: missense variant.
Genome position (GRCh38, 1-based): chr13:32,339,018, G>A. VCF-style: chr13-32339018-G-A. GRCh37 (hg19) VCF-style: chr13-32913155-G-A.
Other names: short protein forms E1555K.
Identifiers: ClinVar variation 825081 (VCV000825081.6), dbSNP rs1593903083, ClinGen allele CA387782753.